The following is an entry in ClinVar:

ClinVar aggregate classification (germline): Uncertain significance. Review status: criteria provided, multiple submitters, no conflicts (2 of 4 stars). 4 submissions from 4 submitters: Uncertain significance (4). Last evaluated 2026-07-24.

Conditions:
Autosomal dominant polycystic kidney disease. Identifiers: Orphanet 730, MedGen C0085413, MONDO:0004691.
PKD2-related disorder. Also called: PKD2-related condition.
Polycystic kidney disease 2 (PKD2). Also called: Polycystic Kidney Disease 2, Autosomal Dominant; POLYCYSTIC KIDNEY DISEASE 2 WITH OR WITHOUT POLYCYSTIC LIVER DISEASE; POLYCYSTIC KIDNEY DISEASE, ADULT, TYPE II. Identifiers: MedGen C2751306, MONDO:0013131, OMIM 613095.

Allele frequency attached by ClinVar (database versions not stated): gnomAD exomes 0.00011 and 0.00008; TOPMed 0.00007; ExAC 0.00008; gnomAD 0.00009 and 0.00010; ESP Exome Variant Server 0.00015.
gnomAD v4.1: 129 of 1,613,888 alleles (0.008%); highest among the groups gnomAD compares: Non-Finnish European, 0.0096%; no homozygotes.

Submissions (4):

PreventionGenetics, part of Exact Sciences
Classification: Uncertain significance for PKD2-related condition. Last evaluated: 2026-07-24. Review status: criteria provided, single submitter. Criteria: ACMG Guidelines, 2015. Collection method: clinical testing. Allele origin: germline.
Comment: The PKD2 c.2392C>T variant is predicted to result in the amino acid substitution p.Arg798Cys. This variant has been reported in an individual with autosomal dominant polycystic kidney disease (ADPKD) who is also heterozygous for a pathogenic frameshift variant in PKD1 (Table 7, Carrera et al. 2016. PubMed ID: 27499327). This variant was also reported in a family with ADPKD and classified as "possibly pathogenic" (Supplementary Table 2, Nielsen et al. 2021. PubMed ID: 33639313). This variant is reported in 0.020% of alleles in individuals of European (Non-Finnish) descent in gnomAD. At this time, the clinical significance of this variant is uncertain due to the absence of conclusive functional and genetic evidence.

Labcorp Genetics (formerly Invitae), Labcorp
Classification: Uncertain significance for Autosomal dominant polycystic kidney disease. Last evaluated: 2025-12-23. Review status: criteria provided, single submitter. Criteria: Invitae Variant Classification Sherloc (09022015). Collection method: clinical testing. Allele origin: germline.
Comment: This sequence change replaces arginine, which is basic and polar, with cysteine, which is neutral and slightly polar, at codon 798 of the PKD2 protein (p.Arg798Cys). This variant is present in population databases (rs150838063, gnomAD 0.02%), and has an allele count higher than expected for a pathogenic variant. This missense change has been observed in individual(s) with polycystic kidney disease (PMID: 27499327). ClinVar contains an entry for this variant (Variation ID: 618326). Invitae Evidence Modeling of protein sequence and biophysical properties (such as structural, functional, and spatial information, amino acid conservation, physicochemical variation, residue mobility, and thermodynamic stability) has been performed for this missense variant. However, the output from this modeling did not meet the statistical confidence thresholds required to predict the impact of this variant on PKD2 protein function. Experimental studies are conflicting or provide insufficient evidence to determine the effect of this variant on PKD2 function (PMID: 37028763). In summary, the available evidence is currently insufficient to determine the role of this variant in disease. Therefore, it has been classified as a Variant of Uncertain Significance.

Fulgent Genetics
Classification: Uncertain significance for Polycystic kidney disease 2. Last evaluated: 2024-05-29. Review status: criteria provided, single submitter. Criteria: ACMG Guidelines, 2015. Collection method: clinical testing. Allele origin: germline.

ARUP Laboratories, Molecular Genetics and Genomics, ARUP Laboratories
Classification: Uncertain significance. Last evaluated: 2018-01-24. Review status: criteria provided, single submitter. Criteria: ARUP Molecular Germline Variant Investigation Process. Collection method: clinical testing. Allele origin: germline.
Comment: The PKD2 c.2392C>T; p.Arg798Cys variant (rs150838063) is reported in the medical literature in 1 individual affected with autosomal dominant polycystic kidney disease who also carries a pathogenic PKD1 variant (Carrera 2016), and is reported on a gene-specific database as likely pathogenic (Mayo ADPKD Mutation Database). This variant is observed in the general population at an overall allele frequency of 0.009% (26/276710 alleles) with an increased frequency of 0.02% (23/126350 alleles) in the European population in the Genome Aggregation Database. The arginine at codon 798 is moderately conserved and computational algorithms (SIFT, PolyPhen2, MutationTaster) predict this variant to be deleterious. However, given the lack of clinical and functional data regarding this variant, its significance cannot be determined with certainty at this time. References: Mayo ADPKD Mutation Database website: Carrera P et al. Deciphering Variability of PKD1 and PKD2 in an Italian Cohort of 643 Patients with Autosomal Dominant Polycystic Kidney Disease (ADPKD). Sci Rep. 2016 Aug 8;6:30850.

Literature cited by the submitters: PubMed 27499327 (cited by Labcorp Genetics (formerly Invitae), Labcorp); PubMed 37028763 (cited by Labcorp Genetics (formerly Invitae), Labcorp).

NM_000297.4(PKD2):c.2392C>T (p.Arg798Cys)

Gene: PKD2 (polycystin 2, transient receptor potential cation channel; plus strand). Cytogenetic location: 4q22.1.
Variant type: single nucleotide variant.
Coding change: c.2392C>T on transcript NM_000297.4 (MANE Select); coding-DNA position 2392, C replaced by T.
Protein change: p.Arg798Cys; replaces arginine 798 with cysteine.
Molecular consequence: missense variant. On other transcripts: non-coding transcript variant (1).
Genome position (GRCh38, 1-based): chr4:88,067,931, C>T. VCF-style: chr4-88067931-C-T. GRCh37 (hg19) VCF-style: chr4-88989083-C-T.
Other names: short protein forms R798C.
Identifiers: ClinVar variation 618326 (VCV000618326.18), dbSNP rs150838063, ClinGen allele CA3004240.
Genomic context (GRCh38, chr4:88,067,931, plus strand): 5'-CTCACTCAGTGACCCCTTGTTCTTCAGGAGGACCTGGATTTGGATCACAGTTCTTTACCA[C>T]GTCCCATGAGCAGCCGAAGTTTCCCTCGAAGCCTGGATGACTCTGAGGAGGATGACGATG-3'
Protein context (NP_000288.1, residues 788-808): DLDLDHSSLP[Arg798Cys]PMSSRSFPRS